The following is an entry in ClinVar:

NM_033305.3(VPS13A):c.165del (p.Phe55fs)

Gene: VPS13A (vacuolar protein sorting 13 homolog A; plus strand). Cytogenetic location: 9q21.2.
Variant type: Deletion.
Coding change: c.165del on transcript NM_033305.3 (MANE Select); coding-DNA position 165, one base deleted (T; older notation c.165delT).
Protein change: p.Phe55fs; shifts the reading frame from phenylalanine 55.
Molecular consequence: frameshift variant.
Genome position (GRCh38, 1-based): chr9:77,201,385, T deleted; the last of 3 consecutive T bases (chr9:77,201,383-77,201,385); deleting any one gives the same sequence. VCF-style (leftmost placement, unchanged base first): chr9-77201382-AT-A. GRCh37 (hg19) VCF-style: chr9-79816298-AT-A.
Other names: c.165del, p.Phe55fs (NM_001018037.2, NM_001018038.3, NM_015186.4); short protein forms F55fs.
Identifiers: ClinVar variation 2744507 (VCV002744507.3), dbSNP rs2537521721, ClinGen allele CA2697555630.

ClinVar aggregate classification (germline): Pathogenic (1 of 4 stars; one submission).

Submission:

Labcorp Genetics (formerly Invitae), Labcorp
Classification: Pathogenic. Last evaluated: 2023-07-17. Review status: criteria provided, single submitter. Criteria: Invitae Variant Classification Sherloc (09022015). Collection method: clinical testing. Allele origin: germline.
Comment: This sequence change creates a premature translational stop signal (p.Phe55Leufs*8) in the VPS13A gene. It is expected to result in an absent or disrupted protein product. Loss-of-function variants in VPS13A are known to be pathogenic (PMID: 12404112, 21598378). This variant is not present in population databases (gnomAD no frequency). This variant has not been reported in the literature in individuals affected with VPS13A-related conditions. For these reasons, this variant has been classified as Pathogenic.

Literature cited by the submitters: PubMed 12404112; PubMed 21598378.